The following is an entry in ClinVar:

NM_170601.5(SIAE):c.272C>G (p.Pro91Arg)

Gene: SIAE (sialic acid acetylesterase; minus strand). Cytogenetic location: 11q24.2.
Variant type: single nucleotide variant.
Coding change: c.272C>G on transcript NM_170601.5 (MANE Select); coding-DNA position 272, C replaced by G.
Protein change: p.Pro91Arg; replaces proline 91 with arginine.
Molecular consequence: missense variant.
Genome position (GRCh38, 1-based): chr11:124,660,761, G>C on the plus strand (C>G on the coding strand, the complement: SIAE is on the minus strand). VCF-style: chr11-124660761-G-C. GRCh37 (hg19) VCF-style: chr11-124530657-G-C.
Other names: c.167C>G, p.Pro56Arg (NM_001199922.2); short protein forms P56R, P91R.
Identifiers: ClinVar variation 1981112 (VCV001981112.4), dbSNP rs369115607, ClinGen allele CA6341594.

ClinVar aggregate classification (germline): Uncertain significance (1 of 4 stars; one submission).

Allele frequency attached by ClinVar (database versions not stated): ESP Exome Variant Server 0.00008.
gnomAD v4.1: 14 of 1,614,052 alleles (0.00087%); highest among the groups gnomAD compares: Non-Finnish European, 0.0012%; no homozygotes.

Submission:

Labcorp Genetics (formerly Invitae), Labcorp
Classification: Uncertain significance. Last evaluated: 2024-11-27. Review status: criteria provided, single submitter. Criteria: Invitae Variant Classification Sherloc (09022015). Collection method: clinical testing. Allele origin: germline.
Comment: This sequence change replaces proline, which is neutral and non-polar, with arginine, which is basic and polar, at codon 91 of the SIAE protein (p.Pro91Arg). This variant is present in population databases (rs369115607, gnomAD 0.003%). This variant has not been reported in the literature in individuals affected with SIAE-related conditions. ClinVar contains an entry for this variant (Variation ID: 1981112). An algorithm developed to predict the effect of missense changes on protein structure and function (PolyPhen-2) suggests that this variant is likely to be tolerated. In summary, the available evidence is currently insufficient to determine the role of this variant in disease. Therefore, it has been classified as a Variant of Uncertain Significance.